The following is an entry in ClinVar:

ClinVar aggregate classification (germline): Uncertain significance (1 of 4 stars; one submission).

Conditions:
Combined immunodeficiency due to DOCK8 deficiency (HIES2). Also called: DOCK8 Deficiency; HIES autosomal recessive; Hyper-IgE recurrent infection syndrome, autosomal recessive; HYPER-IgE RECURRENT INFECTION SYNDROME 2, AUTOSOMAL RECESSIVE; HYPER-IgE SYNDROME 2, AUTOSOMAL RECESSIVE, WITH RECURRENT INFECTIONS. Identifiers: Orphanet 217390, MedGen C4722305, MONDO:0009478, OMIM 243700.

Submission:

Labcorp Genetics (formerly Invitae), Labcorp
Classification: Uncertain significance for Combined immunodeficiency due to DOCK8 deficiency. Last evaluated: 2019-11-05. Review status: criteria provided, single submitter. Criteria: Invitae Variant Classification Sherloc (09022015). Collection method: clinical testing. Allele origin: germline.
Comment: This variant results in a copy number gain of the genomic region encompassing exons 15-48 of the DOCK8 gene. The 5' boundary is likely confined to intron 14. The 3' end of this event is unknown as it extends beyond the assayed region for this gene and therefore may encompass additional genes. As the precise location of this event is unknown, it may be in tandem or it may be located elsewhere in the genome. This variant has not been reported in the literature in individuals with DOCK8-related conditions. In summary, the available evidence is currently insufficient to determine the role of this variant in disease. Therefore, it has been classified as a Variant of Uncertain Significance.

NC_000009.12:g.(?_368008)_(464219_?)dup

Gene: DOCK8 (dedicator of cytokinesis 8; plus strand). Cytogenetic location: 9p24.3.
Variant type: Duplication.
Identifiers: ClinVar variation 830831 (VCV000830831.3).